The following is an entry in ClinVar:

NM_001134407.3(GRIN2A):c.1108C>T (p.Arg370Trp)

Gene: GRIN2A (glutamate ionotropic receptor NMDA type subunit 2A; minus strand). Cytogenetic location: 16p13.2.
Variant type: single nucleotide variant.
Coding change: c.1108C>T on transcript NM_001134407.3 (MANE Select); coding-DNA position 1108, C replaced by T.
Protein change: p.Arg370Trp; replaces arginine 370 with tryptophan.
Molecular consequence: missense variant.
Genome position (GRCh38, 1-based): chr16:9,891,000, G>A on the plus strand (C>T on the coding strand, the complement: GRIN2A is on the minus strand). VCF-style: chr16-9891000-G-A. GRCh37 (hg19) VCF-style: chr16-9984857-G-A.
Other names: c.1108C>T, p.Arg370Trp (NM_000833.5, NM_001134408.2); short protein forms R370W.
Identifiers: ClinVar variation 2736321 (VCV002736321.4), dbSNP rs761168789, ClinGen allele CA7896825.
Genomic context (GRCh38, chr16:9,891,000, plus strand): 5'-ATGCTTTCTTCCCTCCCCTGCATTCAGCACACAGAAGGATGCTCACCTTTTCCCATTCCC[G>A]GTCTTTGTTCAGCACAATCACCACCAGCCTGGGGTGCACCTGGTAGCCTTCCTCAGTGAA-3'
Protein context (NP_001127879.1, residues 360-380): RLVVIVLNKD[Arg370Trp]EWEKVGKWEN

ClinVar aggregate classification (germline): Uncertain significance. Review status: criteria provided, multiple submitters, no conflicts (2 of 4 stars). 2 submissions from 2 submitters: Uncertain significance (2). Last evaluated 2026-01-31.

Conditions:
Landau-Kleffner syndrome (FESD). Also called: APHASIA, ACQUIRED, WITH EPILEPSY; EPILEPSY, FOCAL, WITH SPEECH DISORDER AND WITH OR WITHOUT MENTAL RETARDATION. Identifiers: Orphanet 1945, Orphanet 725, Orphanet 98818, MedGen C0282512, MONDO:0009509, OMIM 245570.

Allele frequency attached by ClinVar (database versions not stated): ExAC 0.00001.
gnomAD v4.1: 4 of 1,606,704 alleles (0.00025%); highest among the groups gnomAD compares: Non-Finnish European, 0.00034%; no homozygotes.

Submissions (2):

Labcorp Genetics (formerly Invitae), Labcorp
Classification: Uncertain significance for Landau-Kleffner syndrome. Last evaluated: 2026-01-31. Review status: criteria provided, single submitter. Criteria: Invitae Variant Classification Sherloc (09022015). Collection method: clinical testing. Allele origin: germline.
Comment: This sequence change replaces arginine, which is basic and polar, with tryptophan, which is neutral and slightly polar, at codon 370 of the GRIN2A protein (p.Arg370Trp). This variant is present in population databases (rs761168789, gnomAD 0.0009%). This missense change has been observed in individual(s) with clinical features of GRIN2A-related conditions (PMID: 23933819). ClinVar contains an entry for this variant (Variation ID: 2736321). Invitae Evidence Modeling of protein sequence and biophysical properties (such as structural, functional, and spatial information, amino acid conservation, physicochemical variation, residue mobility, and thermodynamic stability) indicates that this missense variant is expected to disrupt GRIN2A protein function with a positive predictive value of 95%. Experimental studies have shown that this missense change affects GRIN2A function (PMID: 27288002). In summary, the available evidence is currently insufficient to determine the role of this variant in disease. Therefore, it has been classified as a Variant of Uncertain Significance.

Department of Pathology and Laboratory Medicine, Sinai Health System
Classification: Uncertain significance for Landau-Kleffner syndrome. Last evaluated: 2020-05-11. Review status: criteria provided, single submitter. Criteria: ACMG Guidelines, 2015. Collection method: research. Allele origin: germline.

Literature cited by the submitters: PubMed 23933819 (cited by Labcorp Genetics (formerly Invitae), Labcorp); PubMed 27288002 (cited by Labcorp Genetics (formerly Invitae), Labcorp).